The following is an entry in ClinVar:

ClinVar aggregate classification (germline): Uncertain significance (1 of 4 stars; one submission).

Conditions:
PKD2-related disorder. Also called: PKD2-related condition.

Submission:

PreventionGenetics, part of Exact Sciences
Classification: Uncertain significance for PKD2-related condition. Last evaluated: 2024-11-08. Review status: criteria provided, single submitter. Criteria: ACMG Guidelines, 2015. Collection method: clinical testing. Allele origin: germline.
Comment: The PKD2 c.709+4A>T variant is predicted to interfere with splicing. To our knowledge, this variant has not been reported in the literature or in a large population database (gnomAD), indicating it is rare. Of note, multiple splice variants affecting the same splice donor site, including canonical and non-canonical splice variants, have been reported in individuals with polycystic kidney disease (c.709+1G>A in Veldhuisen et al. 1997. PubMed ID: 9326320; c.709+5G>C in Suppl. Table S1 of Cornec-Le Gall et al. 2017. PubMed ID: 28356211; c.709+6T>G in Table S3 of Mallawaarachchi et al. 2021. PubMed ID: 33437033), suggesting that the nucleotide substitutions at this area are prone to result in a deleterious effect on the normal splicing. Although we suspect that the c.709+4A>T variant may be pathogenic, at this time, the clinical significance of this variant is uncertain due to the absence of conclusive functional and genetic evidence.

NM_000297.4(PKD2):c.709+4A>T

Gene: PKD2 (polycystin 2, transient receptor potential cation channel; plus strand). Cytogenetic location: 4q22.1.
Variant type: single nucleotide variant.
Coding change: c.709+4A>T on transcript NM_000297.4 (MANE Select); 4 bases into the intron after coding-DNA position 709, A replaced by T.
Molecular consequence: intron variant.
Genome position (GRCh38, 1-based): chr4:88,019,575, A>T. VCF-style: chr4-88019575-A-T. GRCh37 (hg19) VCF-style: chr4-88940727-A-T.
Identifiers: ClinVar variation 3346745 (VCV003346745.2).
Genomic context (GRCh38, chr4:88,019,575, plus strand): 5'-AAAGTGTTTTACGGGAACTGGTCACATACCTCCTTTTTCTCATAGTCTTGTGCATCTGTA[A>T]GTAGAATATTTCCTTGCACTAATGGGAAAGTTTTGAAAAGATTTGACCTATCCAAATCAT-3'